The following is an entry in ClinVar:

ClinVar aggregate classification (germline): Uncertain significance (1 of 4 stars; one submission).

gnomAD v4.1: 1 of 1,614,220 alleles (0.000062%); no homozygotes.

Submission:

GeneDx
Classification: Uncertain significance. Last evaluated: 2026-02-13. Review status: criteria provided, single submitter. Criteria: GeneDx Variant Classification Process June 2021. Collection method: clinical testing. Allele origin: germline.
Comment: Not observed at significant frequency in large population cohorts (gnomAD); In silico analysis suggests that this missense variant does not alter protein structure/function; Has not been previously published as pathogenic or benign to our knowledge; This variant is associated with the following publications: (PMID: 26080897)

NM_020549.5(CHAT):c.1887G>C (p.Glu629Asp)

Gene: CHAT (choline O-acetyltransferase; plus strand). Cytogenetic location: 10q11.23.
Variant type: single nucleotide variant.
Coding change: c.1887G>C on transcript NM_020549.5 (MANE Select); coding-DNA position 1887, G replaced by C.
Protein change: p.Glu629Asp; replaces glutamic acid 629 with aspartic acid.
Molecular consequence: missense variant.
Genome position (GRCh38, 1-based): chr10:49,662,692, G>C. VCF-style: chr10-49662692-G-C. GRCh37 (hg19) VCF-style: chr10-50870738-G-C.
Other names: c.1533G>C, p.Glu511Asp (NM_001142929.2, NM_001142934.2, NM_020984.4 and 2 more transcripts); c.1641G>C, p.Glu547Asp (NM_001142933.2); short protein forms E629D, E511D, E547D.
Identifiers: ClinVar variation 5008595 (VCV005008595.1).